The following is an entry in ClinVar:

NM_000203.5(IDUA):c.709C>T (p.Leu237Phe)

Gene: IDUA (alpha-L-iduronidase; plus strand). Cytogenetic location: 4p16.3.
Variant type: single nucleotide variant.
Coding change: c.709C>T on transcript NM_000203.5 (MANE Select); coding-DNA position 709, C replaced by T.
Protein change: p.Leu237Phe; replaces leucine 237 with phenylalanine.
Molecular consequence: missense variant. On other transcripts: non-coding transcript variant (1).
Genome position (GRCh38, 1-based): chr4:1,001,798, C>T. VCF-style: chr4-1001798-C-T. GRCh37 (hg19) VCF-style: chr4-995586-C-T.
Other names: p.Leu237Phe; c.313C>T, p.Leu105Phe (NM_001363576.1); short protein forms L105F, L237F.
Identifiers: ClinVar variation 791065 (VCV000791065.20), dbSNP rs74385837, ClinGen allele CA2802060.

ClinVar aggregate classification (germline): Benign/Likely benign. Review status: criteria provided, multiple submitters, no conflicts (2 of 4 stars). 8 submissions from 8 submitters: Benign (1); Likely benign (3). 4 of the submissions do not count toward it. Last evaluated 2026-01-31.

Conditions:
IDUA-related disorder. Also called: IDUA-related condition.
Mucopolysaccharidosis type 1. Also called: Mucopolysaccharidosis Type I; IDUA deficiency; MPS I. Identifiers: Orphanet 579, MedGen C0023786, MONDO:0001586.

Allele frequency attached by ClinVar (database versions not stated): gnomAD 0.00445 and 0.00475; ESP Exome Variant Server 0.00494; TOPMed 0.00526; 1000 Genomes Project 0.00719; 1000 Genomes Project 30x 0.00734.
gnomAD v4.1: 1,420 of 1,604,662 alleles (0.088%); highest among the groups gnomAD compares: African/African-American, 1.7%; 11 homozygotes.

Submissions (8):

Labcorp Genetics (formerly Invitae), Labcorp
Classification: Benign for Mucopolysaccharidosis type 1. Last evaluated: 2026-01-31. Review status: criteria provided, single submitter. Criteria: Invitae Variant Classification Sherloc (09022015). Collection method: clinical testing. Allele origin: germline.

Blueprint Genetics
Classification: Likely benign. Last evaluated: 2024-11-22. Review status: criteria provided, single submitter. Criteria: ACMG Guidelines, 2015. Collection method: clinical testing. Allele origin: germline.

Mayo Clinic Laboratories, Mayo Clinic
Classification: Likely benign. Last evaluated: 2024-07-17. Review status: criteria provided, single submitter. Criteria: ACMG Guidelines, 2015. Collection method: clinical testing. Allele origin: germline. Observed: 5 variant alleles.
Comment: BS1, BS2

GeneDx
Classification: Likely benign. Last evaluated: 2019-10-25. Review status: criteria provided, single submitter. Criteria: GeneDx Variant Classification Process June 2021. Collection method: clinical testing. Allele origin: germline. Affected: yes.

Natera, Inc.
Classification: Benign for Mucopolysaccharidosis type I. Last evaluated: 2020-04-23. Review status: no assertion criteria provided. Collection method: clinical testing. Allele origin: germline. Not counted in ClinVar's aggregate classification.

PreventionGenetics, part of Exact Sciences
Classification: Benign for IDUA-related condition. Last evaluated: 2019-08-12. Review status: no assertion criteria provided. Collection method: clinical testing. Allele origin: germline. Not counted in ClinVar's aggregate classification.
Comment: This variant is classified as benign based on ACMG/AMP sequence variant interpretation guidelines (Richards et al. 2015 PMID: 25741868, with internal and published modifications).

Clinical Genetics, Academic Medical Center
Classification: Benign. Review status: no assertion criteria provided. Collection method: clinical testing. Allele origin: germline. Affected: yes. Study: VKGL Data-share Consensus. Not counted in ClinVar's aggregate classification.

Laboratory of Diagnostic Genome Analysis, Leiden University Medical Center (LUMC)
Classification: Likely benign. Review status: no assertion criteria provided. Collection method: clinical testing. Allele origin: germline. Affected: yes. Study: VKGL Data-share Consensus. Not counted in ClinVar's aggregate classification.